The following is an entry in ClinVar:

NM_000059.4(BRCA2):c.1481del (p.Val494fs)

Gene: BRCA2 (BRCA2 DNA repair associated; plus strand). Cytogenetic location: 13q13.1.
Variant type: Deletion.
Coding change: c.1481del on transcript NM_000059.4 (MANE Select); coding-DNA position 1481, one base deleted (T; older notation c.1481delT).
Protein change: p.Val494fs; shifts the reading frame from valine 494.
Molecular consequence: frameshift variant.
Genome position (GRCh38, 1-based): chr13:32,332,959, T deleted. VCF-style (leftmost placement, unchanged base first): chr13-32332958-GT-G. GRCh37 (hg19) VCF-style: chr13-32907095-GT-G.
Other names: short protein forms V494fs.
Identifiers: ClinVar variation 1705097 (VCV001705097.1), dbSNP rs2548520355, ClinGen allele CA2499222081.

ClinVar aggregate classification (germline): Likely pathogenic (1 of 4 stars; one submission).

Conditions:
Hereditary breast ovarian cancer syndrome. Also called: Hereditary breast and ovarian cancer syndrome (HBOC); Breast and ovarian cancer; BRCA1- and BRCA2-Associated Hereditary Breast and Ovarian Cancer; Hereditary breast and ovarian cancer syndrome; Hereditary breast and/or ovarian cancer syndrome; Hereditary breast and ovarian cancer. Identifiers: Orphanet 145, MedGen C0677776, MeSH D061325, MONDO:0003582. Disease mechanism: loss of function.

Submission:

Women's Health and Genetics/Laboratory Corporation of America, LabCorp
Classification: Likely pathogenic for Hereditary breast ovarian cancer syndrome. Last evaluated: 2022-08-15. Review status: criteria provided, single submitter. Criteria: LabCorp Variant Classification Summary - May 2015. Collection method: clinical testing. Allele origin: germline.
Comment: Variant summary: BRCA2 c.1481delT (p.Val494GlyfsX15) results in a premature termination codon, predicted to cause a truncation of the encoded protein or absence of the protein due to nonsense mediated decay, which are commonly known mechanisms for disease. Truncations downstream of this position have been classified as pathogenic by our laboratory. The variant was absent in 235180 control chromosomes (gnomAD). c.1481delT has been reported in the literature in at least one individual affected with Breast Cancer (Momozawa_2018). These data do not allow any conclusion about variant significance. To our knowledge, no experimental evidence demonstrating an impact on protein function has been reported. No clinical diagnostic laboratories have submitted clinical-significance assessments for this variant to ClinVar after 2014. Based on the evidence outlined above, the variant was classified as likely pathogenic.

Literature cited by the submitters: PubMed 30287823.